The following is an entry in ClinVar:

ClinVar aggregate classification (germline): Uncertain significance (1 of 4 stars; one submission).

Conditions:
Kabuki syndrome. Also called: NIIKAWA-KUROKI SYNDROME; Kabuki make-up syndrome. Identifiers: Orphanet 2322, MedGen C0796004, MONDO:0016512.

Allele frequency attached by ClinVar (database versions not stated): gnomAD exomes 0.00001; TOPMed 0.00001.
gnomAD v4.1: 10 of 1,612,720 alleles (0.00062%); highest among the groups gnomAD compares: Non-Finnish European, 0.00076%; no homozygotes.

Submission:

Labcorp Genetics (formerly Invitae), Labcorp
Classification: Uncertain significance for Kabuki syndrome. Last evaluated: 2022-11-24. Review status: criteria provided, single submitter. Criteria: Invitae Variant Classification Sherloc (09022015). Collection method: clinical testing. Allele origin: germline.
Comment: This sequence change replaces asparagine, which is neutral and polar, with serine, which is neutral and polar, at codon 5061 of the KMT2D protein (p.Asn5061Ser). This variant is present in population databases (no rsID available, gnomAD 0.0009%). This variant has not been reported in the literature in individuals affected with KMT2D-related conditions. Advanced modeling of protein sequence and biophysical properties (such as structural, functional, and spatial information, amino acid conservation, physicochemical variation, residue mobility, and thermodynamic stability) has been performed at Invitae for this missense variant, however the output from this modeling did not meet the statistical confidence thresholds required to predict the impact of this variant on KMT2D protein function. In summary, the available evidence is currently insufficient to determine the role of this variant in disease. Therefore, it has been classified as a Variant of Uncertain Significance.

NM_003482.4(KMT2D):c.15182A>G (p.Asn5061Ser)

Gene: KMT2D (lysine methyltransferase 2D; minus strand). Cytogenetic location: 12q13.12.
Variant type: single nucleotide variant.
Coding change: c.15182A>G on transcript NM_003482.4 (MANE Select); coding-DNA position 15182, A replaced by G.
Protein change: p.Asn5061Ser; replaces asparagine 5061 with serine.
Molecular consequence: missense variant.
Genome position (GRCh38, 1-based): chr12:49,026,784, T>C on the plus strand (A>G on the coding strand, the complement: KMT2D is on the minus strand). VCF-style: chr12-49026784-T-C. GRCh37 (hg19) VCF-style: chr12-49420567-T-C.
Other names: short protein forms N5061S.
Identifiers: ClinVar variation 2954581 (VCV002954581.3), dbSNP rs1403030708, ClinGen allele CA384689334.
Genomic context (GRCh38, chr12:49,026,784, plus strand): 5'-TCCACATTCATCAGTGCCCCGCCCTGGGTCTCATACACCTCCGTGGACCAAAGGGCACAG[T>C]TGAGGTGCACCCACAGGTCCAGGTCCAGGTTCAGCAGACGGGCAGGCCCATCAGTGGCCC-3'
Protein context (NP_003473.3, residues 5051-5071): NLDLDLWVHL[Asn5061Ser]CALWSTEVYE